The following is an entry in ClinVar:

NM_024422.6(DSC2):c.744T>A (p.Tyr248Ter)

Gene: DSC2 (desmocollin 2; minus strand). Cytogenetic location: 18q12.1.
Variant type: single nucleotide variant.
Coding change: c.744T>A on transcript NM_024422.6 (MANE Select); coding-DNA position 744, T replaced by A.
Protein change: p.Tyr248Ter; replaces tyrosine 248 with a stop codon.
Molecular consequence: nonsense.
Genome position (GRCh38, 1-based): chr18:31,087,700, A>T on the plus strand (T>A on the coding strand, the complement: DSC2 is on the minus strand). VCF-style: chr18-31087700-A-T. GRCh37 (hg19) VCF-style: chr18-28667663-A-T.
Other names: c.315T>A, p.Tyr105Ter (NM_001406506.1, NM_001406507.1); c.744T>A, p.Tyr248Ter (NM_004949.5); short protein forms Y105*, Y248*.
Identifiers: ClinVar variation 3687078 (VCV003687078.2).

ClinVar aggregate classification (germline): Pathogenic (1 of 4 stars; one submission).

Conditions:
Arrhythmogenic right ventricular dysplasia 11. Also called: ARRHYTHMOGENIC RIGHT VENTRICULAR DYSPLASIA, FAMILIAL, 11; Arrhythmogenic Right Ventricular Dysplasia/Cardiomyopathy11; Arrhythmogenic right ventricular dysplasia 11 with mild palmoplantar keratoderma and woolly hair. Identifiers: MedGen C1864850, MONDO:0012506, OMIM 610476.

gnomAD v4.1: 8 of 1,613,286 alleles (0.0005%); highest among the groups gnomAD compares: Non-Finnish European, 0.00068%; no homozygotes.

Submission:

Labcorp Genetics (formerly Invitae), Labcorp
Classification: Pathogenic for Arrhythmogenic right ventricular dysplasia 11. Last evaluated: 2024-05-05. Review status: criteria provided, single submitter. Criteria: Invitae Variant Classification Sherloc (09022015). Collection method: clinical testing. Allele origin: germline.
Comment: This sequence change creates a premature translational stop signal (p.Tyr248*) in the DSC2 gene. It is expected to result in an absent or disrupted protein product. Loss-of-function variants in DSC2 are known to be pathogenic (PMID: 23911551). This variant is not present in population databases (gnomAD no frequency). This variant has not been reported in the literature in individuals affected with DSC2-related conditions. For these reasons, this variant has been classified as Pathogenic.

Literature cited by the submitters: PubMed 23911551.